The following is an entry in ClinVar:

NM_001292034.3(TAB2):c.629G>A (p.Gly210Glu)

Gene: TAB2 (TGF-beta activated kinase 1 (MAP3K7) binding protein 2; plus strand). Cytogenetic location: 6q25.1.
Variant type: single nucleotide variant.
Coding change: c.629G>A on transcript NM_001292034.3 (MANE Select); coding-DNA position 629, G replaced by A.
Protein change: p.Gly210Glu; replaces glycine 210 with glutamic acid.
Molecular consequence: missense variant.
Genome position (GRCh38, 1-based): chr6:149,378,544, G>A. VCF-style: chr6-149378544-G-A. GRCh37 (hg19) VCF-style: chr6-149699680-G-A.
Other names: c.533G>A, p.Gly178Glu (NM_001292035.3); c.629G>A, p.Gly210Glu (NM_001369506.1, NM_015093.6); short protein forms G178E, G210E.
Identifiers: ClinVar variation 3030535 (VCV003030535.2), dbSNP rs2483387785, ClinGen allele CA365996275.

ClinVar aggregate classification (germline): Uncertain significance (0 of 4 stars; one submission).

Conditions:
TAB2-related disorder.

Allele frequency attached by ClinVar (database versions not stated): gnomAD exomes below 0.00001.
gnomAD v4.1: 1 of 1,614,048 alleles (0.000062%); highest among the groups gnomAD compares: Non-Finnish European, 0.000085%; no homozygotes.

Submission:

PreventionGenetics, part of Exact Sciences
Classification: Uncertain significance for TAB2-related condition. Last evaluated: 2024-01-23. Review status: no assertion criteria provided. Collection method: clinical testing. Allele origin: germline.
Comment: The TAB2 c.629G>A variant is predicted to result in the amino acid substitution p.Gly210Glu. To our knowledge, this variant has not been reported in the literature or in a large population database, indicating this variant is rare. At this time, the clinical significance of this variant is uncertain due to the absence of conclusive functional and genetic evidence.